The following is an entry in ClinVar:

NM_005120.3(MED12):c.4415+128A>G

Gene: MED12 (mediator complex subunit 12; plus strand). Cytogenetic location: Xq13.1.
Variant type: single nucleotide variant.
Coding change: c.4415+128A>G on transcript NM_005120.3 (MANE Select); 128 bases into the intron after coding-DNA position 4415, A replaced by G.
Molecular consequence: intron variant.
Genome position (GRCh38, 1-based): chrX:71,132,666, A>G. VCF-style: chrX-71132666-A-G. GRCh37 (hg19) VCF-style: chrX-70352516-A-G.
Identifiers: ClinVar variation 674533 (VCV000674533.2), dbSNP rs12843026, ClinGen allele CA330981907.
Genomic context (GRCh38, chrX:71,132,666, plus strand): 5'-ATAAAATGGGCCAAGGAGAAGCATCATAGGAAAGTGGAAAATCAGAGGATAAGAGTGGGC[A>G]TGGCTGAGCAAGAGGCTAGATCTTAAGAGAGTAGTCTGGAGAATGAGGTTGGAAGTTGAC-3'

ClinVar aggregate classification (germline): Benign. Review status: criteria provided, multiple submitters, no conflicts (2 of 4 stars). 2 submissions from 2 submitters: Benign (2). Last evaluated 2018-06-14.

Allele frequency attached by ClinVar (database versions not stated): 1000 Genomes Project 0.11709; 1000 Genomes Project 30x 0.12092; TOPMed 0.21611; gnomAD 0.22390 and 0.22805; gnomAD exomes 0.29743.
gnomAD v4.1: 266,958 of 924,928 alleles (29%); highest among the groups gnomAD compares: Middle Eastern, 42%; 30,552 homozygotes.

Submissions (2):

GeneDx
Classification: Benign. Last evaluated: 2018-06-14. Review status: criteria provided, single submitter. Criteria: GeneDx Variant Classification (06012015). Collection method: clinical testing. Allele origin: germline. Affected: yes.
Comment: This variant is considered likely benign or benign based on one or more of the following criteria: it is a conservative change, it occurs at a poorly conserved position in the protein, it is predicted to be benign by multiple in silico algorithms, and/or has population frequency not consistent with disease.

Breakthrough Genomics
Classification: Benign. Review status: criteria provided, single submitter. Criteria: ACMG Guidelines, 2015. Collection method: not provided. Allele origin: germline. Inheritance: X-linked inheritance. Affected: yes.